The following is an entry in ClinVar:

NM_001127511.3(APC):c.165+21707A>G

Gene: APC (APC regulator of Wnt signaling pathway; plus strand). Cytogenetic location: 5q22.2.
Variant type: single nucleotide variant.
Coding change: c.165+21707A>G on transcript NM_001127511.3; 21707 bases into the intron after coding-DNA position 165, A replaced by G.
Molecular consequence: intron variant.
Genome position (GRCh38, 1-based): chr5:112,729,589, A>G. VCF-style: chr5-112729589-A-G. GRCh37 (hg19) VCF-style: chr5-112065286-A-G.
Other names: c.-1054+21707A>G (NM_001407470.1, NM_001407472.1); c.-19+21707A>G (NM_001407447.1, NM_001354895.2, NM_001407456.1 and 3 more transcripts); c.165+21707A>G (NM_001407446.1, NM_001354897.2, NM_001354902.2); c.-19+21940A>G (NM_001407448.1, NM_001407450.1, NM_001407457.1 and 1 more transcripts); c.-43+21940A>G (NM_001407453.1).
Identifiers: ClinVar variation 82299 (VCV000082299.4), dbSNP rs75455183, ClinGen allele CA023528.

ClinVar aggregate classification (germline): other (0 of 4 stars; one submission).

Conditions:
Familial colorectal cancer. Identifiers: MedGen CN280943, MONDO:0023113. Disease mechanism: loss of function.

Submission:

Systems Biology Platform Zhejiang California International NanoSystems Institute
Classification: other for Familial colorectal cancer. Review status: no assertion criteria provided. Collection method: not provided. Allele origin: unknown.
ClinVar note: Converted during submission from cancer to other.